The following is an entry in ClinVar:

ClinVar aggregate classification (germline): Uncertain significance (1 of 4 stars; one submission).

Conditions:
Primary ciliary dyskinesia. Also called: Ciliary dyskinesia. Identifiers: Orphanet 244, MedGen C0008780, MONDO:0016575, HP:0012265.

Submission:

Labcorp Genetics (formerly Invitae), Labcorp
Classification: Uncertain significance for Primary ciliary dyskinesia. Last evaluated: 2024-03-07. Review status: criteria provided, single submitter. Criteria: Invitae Variant Classification Sherloc (09022015). Collection method: clinical testing. Allele origin: germline.
Comment: This sequence change replaces aspartic acid, which is acidic and polar, with asparagine, which is neutral and polar, at codon 2536 of the DNAH5 protein (p.Asp2536Asn). This variant is not present in population databases (gnomAD no frequency). This variant has not been reported in the literature in individuals affected with DNAH5-related conditions. Advanced modeling of protein sequence and biophysical properties (such as structural, functional, and spatial information, amino acid conservation, physicochemical variation, residue mobility, and thermodynamic stability) performed at Invitae indicates that this missense variant is not expected to disrupt DNAH5 protein function with a negative predictive value of 95%. In summary, the available evidence is currently insufficient to determine the role of this variant in disease. Therefore, it has been classified as a Variant of Uncertain Significance.

NM_001369.3(DNAH5):c.7606G>A (p.Asp2536Asn)

Gene: DNAH5 (dynein axonemal heavy chain 5; minus strand). Cytogenetic location: 5p15.2.
Variant type: single nucleotide variant.
Coding change: c.7606G>A on transcript NM_001369.3 (MANE Select); coding-DNA position 7606, G replaced by A.
Protein change: p.Asp2536Asn; replaces aspartic acid 2536 with asparagine.
Molecular consequence: missense variant.
Genome position (GRCh38, 1-based): chr5:13,810,062, C>T on the plus strand (G>A on the coding strand, the complement: DNAH5 is on the minus strand). VCF-style: chr5-13810062-C-T. GRCh37 (hg19) VCF-style: chr5-13810171-C-T.
Other names: short protein forms D2536N.
Identifiers: ClinVar variation 3688942 (VCV003688942.2).